The following is an entry in ClinVar:

ClinVar aggregate classification (germline): Likely benign (0 of 4 stars; one submission).

Conditions:
TTC8-related disorder. Also called: TTC8-related condition.

gnomAD v4.1: 1 of 1,613,204 alleles (0.000062%); highest among the groups gnomAD compares: Non-Finnish European, 0.000085%; no homozygotes.

Submission:

PreventionGenetics, part of Exact Sciences
Classification: Likely benign for TTC8-related condition. Last evaluated: 2021-10-19. Review status: no assertion criteria provided. Collection method: clinical testing. Allele origin: germline.
Comment: This variant is classified as likely benign based on ACMG/AMP sequence variant interpretation guidelines (Richards et al. 2015 PMID: 25741868, with internal and published modifications).

NM_144596.4(TTC8):c.690G>A (p.Gln230=)

Gene: TTC8 (tetratricopeptide repeat domain 8; plus strand). Cytogenetic location: 14q31.3.
Variant type: single nucleotide variant.
Coding change: c.690G>A on transcript NM_144596.4 (MANE Select); coding-DNA position 690, G replaced by A.
Protein change: p.Gln230=; no amino-acid change (glutamine 230 retained).
Molecular consequence: synonymous variant. On other transcripts: 5 prime UTR variant (1), non-coding transcript variant (1).
Genome position (GRCh38, 1-based): chr14:88,853,036, G>A. VCF-style: chr14-88853036-G-A. GRCh37 (hg19) VCF-style: chr14-89319380-G-A.
Other names: c.738G>A, p.Gln246= (NM_001288781.1); c.96G>A, p.Gln32= (NM_001288782.1); c.-28G>A (NM_001288783.1); c.660G>A, p.Gln220= (NM_001366535.2, NM_198309.3); c.570G>A, p.Gln190= (NM_001366536.2, NM_198310.3).
Identifiers: ClinVar variation 3355243 (VCV003355243.1).
Genomic context (GRCh38, chr14:88,853,036, plus strand): 5'-GGATCTGGCTGCCCTCTCCACAGAACATTCTCAGTACAAGGACTGGTGGTGGAAAGTACA[G>A]ATTGGAAAATGTTACTACAGGTAAATTTCATTATTTGTGAAGGGCTTAGAAGTGGCCACG-3'
Protein context (NP_653197.2, residues 220-240): SQYKDWWWKV[Gln230=]IGKCYYRLGM